The following is an entry in ClinVar:

ClinVar aggregate classification (germline): Pathogenic. Review status: criteria provided, multiple submitters, no conflicts (2 of 4 stars). 3 submissions from 3 submitters: Pathogenic (3). Last evaluated 2026-02-19.

Conditions:
Birt-Hogg-Dube syndrome. Also called: Birt Hogg Dubé syndrome. Identifiers: Orphanet 122, MedGen C0346010, MONDO:0800444.
Hereditary cancer-predisposing syndrome. Also called: Neoplastic Syndromes, Hereditary; Tumor predisposition; Hereditary neoplastic syndrome; Hereditary Cancer Syndrome. Identifiers: Orphanet 140162, MedGen C0027672, MeSH D009386, MONDO:0015356.

Submissions (3):

Ambry Genetics
Classification: Pathogenic for Hereditary cancer-predisposing syndrome. Last evaluated: 2026-02-19. Review status: criteria provided, single submitter. Criteria: Ambry Variant Classification Scheme 2023. Collection method: clinical testing. Allele origin: germline.
Comment: The p.Y409* pathogenic mutation (also known as c.1227C>A), located in coding exon 8 of the FLCN gene, results from a C to A substitution at nucleotide position 1227. This changes the amino acid from a tyrosine to a stop codon within coding exon 8. This variant is considered to be rare based on population cohorts in the Genome Aggregation Database (gnomAD). This alteration is expected to result in loss of function by premature protein truncation or nonsense-mediated mRNA decay. As such, this alteration is interpreted as a disease-causing mutation.

Labcorp Genetics (formerly Invitae), Labcorp
Classification: Pathogenic for Birt-Hogg-Dube syndrome. Last evaluated: 2023-01-16. Review status: criteria provided, single submitter. Criteria: Invitae Variant Classification Sherloc (09022015). Collection method: clinical testing. Allele origin: germline.
Comment: ClinVar contains an entry for this variant (Variation ID: 377877). For these reasons, this variant has been classified as Pathogenic. This variant has not been reported in the literature in individuals affected with FLCN-related conditions. This sequence change creates a premature translational stop signal (p.Tyr409*) in the FLCN gene. It is expected to result in an absent or disrupted protein product. Loss-of-function variants in FLCN are known to be pathogenic (PMID: 15852235). This variant is not present in population databases (gnomAD no frequency).

GeneDx
Classification: Pathogenic. Last evaluated: 2016-09-27. Review status: criteria provided, single submitter. Criteria: GeneDx Variant Classification (06012015). Collection method: clinical testing. Allele origin: germline. Affected: yes.
Comment: The Y409X nonsense mutation in the FLCN gene is predicted to cause loss of normal protein functioneither through protein truncation or nonsense-mediated mRNA decay. Although this mutation has not beenreported previously to our knowledge, its presence is consistent with a diagnosis of Birt-Hogg-Dubesyndrome.

Literature cited by the submitters: PubMed 15852235 (cited by Labcorp Genetics (formerly Invitae), Labcorp).

NM_144997.7(FLCN):c.1227C>A (p.Tyr409Ter)

Gene: FLCN (folliculin; minus strand). Cytogenetic location: 17p11.2.
Variant type: single nucleotide variant.
Coding change: c.1227C>A on transcript NM_144997.7 (MANE Select); coding-DNA position 1227, C replaced by A.
Protein change: p.Tyr409Ter; replaces tyrosine 409 with a stop codon.
Molecular consequence: nonsense.
Genome position (GRCh38, 1-based): chr17:17,216,453, G>T on the plus strand (C>A on the coding strand, the complement: FLCN is on the minus strand). VCF-style: chr17-17216453-G-T. GRCh37 (hg19) VCF-style: chr17-17119767-G-T.
Other names: c.1227C>A (LRG_325t1); c.1281C>A, p.Tyr427Ter (NM_001353229.2); c.1227C>A, p.Tyr409Ter (NM_001353230.2, NM_001353231.2); short protein forms Y409*, Y427*.
Identifiers: ClinVar variation 377877 (VCV000377877.6), dbSNP rs561236067, ClinGen allele CA16607537.